The following is an entry in ClinVar:

ClinVar aggregate classification (germline): Uncertain significance. Review status: criteria provided, multiple submitters, no conflicts (2 of 4 stars). 2 submissions from 2 submitters: Uncertain significance (2). Last evaluated 2024-01-24.

Conditions:
Familial thoracic aortic aneurysm and aortic dissection (TAAD). Also called: Thoracic aortic aneurysms and dissections. Identifiers: Orphanet 91387, MedGen C4707243, MONDO:0019625.
Congenital contractural arachnodactyly (CCA). Also called: BEALS SYNDROME; Arthrogryposis, distal, type 9; Beals-Hecht syndrome. Identifiers: Orphanet 115, MedGen C0220668, MONDO:0007363, OMIM 121050.

Allele frequency attached by ClinVar (database versions not stated): gnomAD exomes below 0.00001; TOPMed below 0.00001; gnomAD 0.00001.
gnomAD v4.1: 2 of 1,613,860 alleles (0.00012%); highest among the groups gnomAD compares: Non-Finnish European, 0.00017%; no homozygotes.

Submissions (2):

Labcorp Genetics (formerly Invitae), Labcorp
Classification: Uncertain significance for Congenital contractural arachnodactyly. Last evaluated: 2024-01-24. Review status: criteria provided, single submitter. Criteria: Invitae Variant Classification Sherloc (09022015). Collection method: clinical testing. Allele origin: germline.
Comment: This sequence change replaces histidine, which is basic and polar, with glutamine, which is neutral and polar, at codon 1351 of the FBN2 protein (p.His1351Gln). This variant is not present in population databases (gnomAD no frequency). This variant has not been reported in the literature in individuals affected with FBN2-related conditions. ClinVar contains an entry for this variant (Variation ID: 1737385). Advanced modeling of protein sequence and biophysical properties (such as structural, functional, and spatial information, amino acid conservation, physicochemical variation, residue mobility, and thermodynamic stability) performed at Invitae indicates that this missense variant is not expected to disrupt FBN2 protein function with a negative predictive value of 80%. In summary, the available evidence is currently insufficient to determine the role of this variant in disease. Therefore, it has been classified as a Variant of Uncertain Significance.

Ambry Genetics
Classification: Uncertain significance for Familial thoracic aortic aneurysm and aortic dissection. Last evaluated: 2019-12-17. Review status: criteria provided, single submitter. Criteria: Ambry Variant Classification Scheme 2023. Collection method: clinical testing. Allele origin: germline.
Comment: The p.H1351Q variant (also known as c.4053C>G), located in coding exon 31 of the FBN2 gene, results from a C to G substitution at nucleotide position 4053. The histidine at codon 1351 is replaced by glutamine, an amino acid with highly similar properties, and is located in the cbEGF-like #18 domain. This amino acid position is highly conserved in available vertebrate species. In addition, this alteration is predicted to be deleterious by in silico analysis. Since supporting evidence is limited at this time, the clinical significance of this alteration remains unclear.

NM_001999.4(FBN2):c.4053C>G (p.His1351Gln)

Gene: FBN2 (fibrillin 2; minus strand). Cytogenetic location: 5q23.3.
Variant type: single nucleotide variant.
Coding change: c.4053C>G on transcript NM_001999.4 (MANE Select); coding-DNA position 4053, C replaced by G.
Protein change: p.His1351Gln; replaces histidine 1351 with glutamine.
Molecular consequence: missense variant.
Genome position (GRCh38, 1-based): chr5:128,334,765, G>C on the plus strand (C>G on the coding strand, the complement: FBN2 is on the minus strand). VCF-style: chr5-128334765-G-C. GRCh37 (hg19) VCF-style: chr5-127670457-G-C.
Other names: short protein forms H1351Q.
Identifiers: ClinVar variation 1737385 (VCV001737385.7), dbSNP rs1396724260, ClinGen allele CA360756973.
Genomic context (GRCh38, chr5:128,334,765, plus strand): 5'-AGCTTGAAACCTACCTGTACATCCTGTGGTCCCCTTCTTCACTGAGTAACCCAGCTGACA[G>C]TGGCAAATGAAGGATCCCTTTGTGTTCTCACATTCCCCAAACATGCAGATATTTGAATTT-3'
Protein context (NP_001990.2, residues 1341-1361): CENTKGSFIC[His1351Gln]CQLGYSVKKG